The following is an entry in ClinVar:

ClinVar aggregate classification (germline): Uncertain significance (1 of 4 stars; one submission).

Conditions:
Hereditary nonpolyposis colorectal neoplasms. Identifiers: MedGen C0009405, MeSH D003123.

Submission:

Labcorp Genetics (formerly Invitae), Labcorp
Classification: Uncertain significance for Hereditary nonpolyposis colorectal neoplasms. Last evaluated: 2022-07-12. Review status: criteria provided, single submitter. Criteria: Invitae Variant Classification Sherloc (09022015). Collection method: clinical testing. Allele origin: germline.
Comment: In summary, the available evidence is currently insufficient to determine the role of this variant in disease. Therefore, it has been classified as a Variant of Uncertain Significance. Advanced modeling of protein sequence and biophysical properties (such as structural, functional, and spatial information, amino acid conservation, physicochemical variation, residue mobility, and thermodynamic stability) performed at Invitae indicates that this missense variant is expected to disrupt MSH6 protein function. ClinVar contains an entry for this variant (Variation ID: 654133). This variant has not been reported in the literature in individuals affected with MSH6-related conditions. This variant is not present in population databases (gnomAD no frequency). This sequence change replaces alanine, which is neutral and non-polar, with proline, which is neutral and non-polar, at codon 1154 of the MSH6 protein (p.Ala1154Pro).

NM_000179.3(MSH6):c.3460G>C (p.Ala1154Pro)

Gene: MSH6 (mutS homolog 6; plus strand). Cytogenetic location: 2p16.3.
Variant type: single nucleotide variant.
Coding change: c.3460G>C on transcript NM_000179.3 (MANE Select); coding-DNA position 3460, G replaced by C.
Protein change: p.Ala1154Pro; replaces alanine 1154 with proline.
Molecular consequence: missense variant.
Genome position (GRCh38, 1-based): chr2:47,804,931, G>C. VCF-style: chr2-47804931-G-C. GRCh37 (hg19) VCF-style: chr2-48032070-G-C.
Other names: c.3070G>C, p.Ala1024Pro (NM_001281492.2); c.2554G>C, p.Ala852Pro (NM_001281493.2, NM_001281494.2); short protein forms A1024P, A852P, A1154P.
Identifiers: ClinVar variation 654133 (VCV000654133.9), dbSNP rs1572738413, ClinGen allele CA346760038.